The following is an entry in ClinVar:

NM_001174089.2(SLC4A11):c.1020G>A (p.Leu340=)

Gene: SLC4A11 (solute carrier family 4 member 11; minus strand). Cytogenetic location: 20p13.
Variant type: single nucleotide variant.
Coding change: c.1020G>A on transcript NM_001174089.2 (MANE Select); coding-DNA position 1020, G replaced by A.
Protein change: p.Leu340=; no amino-acid change (leucine 340 retained).
Molecular consequence: synonymous variant. On other transcripts: non-coding transcript variant (1).
Genome position (GRCh38, 1-based): chr20:3,231,171, C>T on the plus strand (G>A on the coding strand, the complement: SLC4A11 is on the minus strand). VCF-style: chr20-3231171-C-T. GRCh37 (hg19) VCF-style: chr20-3211817-C-T.
Other names: c.1149G>A, p.Leu383= (NM_001174090.2); c.1020G>A, p.Leu340= (NM_001363745.2); c.1068G>A, p.Leu356= (NM_032034.4).
Identifiers: ClinVar variation 739183 (VCV000739183.17), dbSNP rs190463957, ClinGen allele CA9742034.

ClinVar aggregate classification (germline): Conflicting classifications of pathogenicity. Review status: criteria provided, conflicting classifications (1 of 4 stars). 5 submissions from 5 submitters: Uncertain significance (1); Benign (1); Likely benign (2). 1 of the submissions does not count toward it. Last evaluated 2026-01-28.

Conditions:
Corneal dystrophy. Identifiers: Orphanet 34533, MedGen C0010036, MONDO:0018102, HP:0001131.
Corneal dystrophy-perceptive deafness syndrome (CDPD). Also called: CORNEAL DYSTROPHY AND SENSORINEURAL DEAFNESS; HARBOYAN SYNDROME. Identifiers: Orphanet 1490, MedGen C1857572, MONDO:0009015, OMIM 217400.
SLC4A11-related disorder. Also called: SLC4A11-related condition.

Allele frequency attached by ClinVar (database versions not stated): ExAC 0.00068; ESP Exome Variant Server 0.00008; gnomAD 0.00012 and 0.00025; TOPMed 0.00019; 1000 Genomes Project 30x 0.00047; 1000 Genomes Project 0.00060.

Submissions (5):

Labcorp Genetics (formerly Invitae), Labcorp
Classification: Benign. Last evaluated: 2026-01-28. Review status: criteria provided, single submitter. Criteria: Invitae Variant Classification Sherloc (09022015). Collection method: clinical testing. Allele origin: germline.

Blueprint Genetics
Classification: Likely benign. Last evaluated: 2024-11-25. Review status: criteria provided, single submitter. Criteria: ACMG Guidelines, 2015. Collection method: clinical testing. Allele origin: germline.

PreventionGenetics, part of Exact Sciences
Classification: Likely benign for SLC4A11-related condition. Last evaluated: 2024-10-16. Review status: criteria provided, single submitter. Criteria: ACMG Guidelines, 2015. Collection method: clinical testing. Allele origin: germline.
Comment: This variant is classified as likely benign based on ACMG/AMP sequence variant interpretation guidelines (Richards et al. 2015 PMID: 25741868, with internal and published modifications).

Illumina Laboratory Services, Illumina
Classification: Uncertain significance for Corneal dystrophy. Last evaluated: 2018-01-13. Review status: criteria provided, single submitter. Criteria: ICSL Variant Classification Criteria 13 December 2019. Collection method: clinical testing. Allele origin: germline.

Natera, Inc.
Classification: Benign for Harboyan syndrome. Last evaluated: 2020-01-06. Review status: no assertion criteria provided. Collection method: clinical testing. Allele origin: germline. Not counted in ClinVar's aggregate classification.